The following is an entry in ClinVar:

NM_000384.3(APOB):c.4265G>A (p.Cys1422Tyr)

Gene: APOB (apolipoprotein B; minus strand). Cytogenetic location: 2p24.1.
Variant type: single nucleotide variant.
Coding change: c.4265G>A on transcript NM_000384.3 (MANE Select); coding-DNA position 4265, G replaced by A.
Protein change: p.Cys1422Tyr; replaces cysteine 1422 with tyrosine.
Molecular consequence: missense variant.
Genome position (GRCh38, 1-based): chr2:21,012,603, C>T on the plus strand (G>A on the coding strand, the complement: APOB is on the minus strand). VCF-style: chr2-21012603-C-T. GRCh37 (hg19) VCF-style: chr2-21235475-T-T.
Other names: short protein forms C1422Y.
Identifiers: ClinVar variation 431497 (VCV000431497.15), dbSNP rs568413, ClinGen allele CA43508675.

ClinVar aggregate classification (germline): Conflicting classifications of pathogenicity. Review status: criteria provided, conflicting classifications (1 of 4 stars). 4 submissions from 4 submitters: Uncertain significance (3); Likely benign (1). Last evaluated 2025-12-21.

Conditions:
Hypercholesterolemia, autosomal dominant, type B (FHCL2). Also called: APOB-Related Familial Hypercholesterolemia, Autosomal Dominant; Familial Hypercholesterolemia Type B; APOLIPOPROTEIN B-100, FAMILIAL DEFECTIVE; APOLIPOPROTEIN B-100, FAMILIAL LIGAND-DEFECTIVE; Hyperlipoproteinemia Type IIb; Familial hypercholesterolemia 2. Identifiers: MedGen C1704417, MONDO:0007751, OMIM 144010.
Familial hypobetalipoproteinemia 1. Also called: APOB-Related Familial Hypobetalipoproteinemia; Hypobetalipoproteinemia, normotriglyceridemic; Acanthocytosis with hypobetalipoproteinemia. Identifiers: MedGen C4551990, MONDO:0014252, OMIM 615558.
Hypercholesterolemia, familial, 1. Also called: LDL RECEPTOR DISORDER; Hyperlipoproteinemia Type IIa; HYPER-LOW-DENSITY-LIPOPROTEINEMIA; HYPERCHOLESTEROLEMIC XANTHOMATOSIS, FAMILIAL; Fredrickson type IIa hyperlipoproteinemia; Hyperlipoproteinemia type 2. Identifiers: Orphanet 391665, MedGen C0745103, MONDO:0007750, OMIM 143890.

Allele frequency attached by ClinVar (database versions not stated): gnomAD exomes 0.00016; gnomAD 0.00018; TOPMed 0.00026.
gnomAD v4.1: 273 of 1,613,184 alleles (0.017%); highest among the groups gnomAD compares: Middle Eastern, 0.33%; no homozygotes.

Submissions (4):

Labcorp Genetics (formerly Invitae), Labcorp
Classification: Uncertain significance for Familial hypobetalipoproteinemia 1; Hypercholesterolemia, autosomal dominant, type B. Last evaluated: 2025-12-21. Review status: criteria provided, single submitter. Criteria: Invitae Variant Classification Sherloc (09022015). Collection method: clinical testing. Allele origin: germline.
Comment: This sequence change replaces cysteine, which is neutral and slightly polar, with tyrosine, which is neutral and polar, at codon 1422 of the APOB protein (p.Cys1422Tyr). This variant is present in population databases (no rsID available, gnomAD 0.03%). This variant has not been reported in the literature in individuals affected with APOB-related conditions. ClinVar contains an entry for this variant (Variation ID: 431497). Invitae Evidence Modeling of protein sequence and biophysical properties (such as structural, functional, and spatial information, amino acid conservation, physicochemical variation, residue mobility, and thermodynamic stability) indicates that this missense variant is not expected to disrupt APOB protein function with a negative predictive value of 95%. In summary, the available evidence is currently insufficient to determine the role of this variant in disease. Therefore, it has been classified as a Variant of Uncertain Significance.

Molecular Diagnostic Laboratory for Inherited Cardiovascular Disease, Montreal Heart Institute
Classification: Likely benign. Last evaluated: 2025-07-24. Review status: criteria provided, single submitter. Criteria: ACMG Guidelines, 2015. Collection method: clinical testing. Allele origin: germline. Affected: no.
Comment: BS1;BP4

Mayo Clinic Laboratories, Mayo Clinic
Classification: Uncertain significance. Last evaluated: 2019-12-13. Review status: criteria provided, single submitter. Criteria: ACMG Guidelines, 2015. Collection method: clinical testing. Allele origin: germline. Observed: 1 variant allele.

Laboratory of Genetics and Molecular Cardiology, University of São Paulo
Classification: Uncertain significance for Familial hypercholesterolemia. Last evaluated: 2016-03-01. Review status: criteria provided, single submitter. Criteria: ACMG Guidelines, 2015. Collection method: research. Allele origin: germline. Study: HipercolBrasil.